The following is an entry in ClinVar:

NM_001127222.2(CACNA1A):c.5626-56G>A

Gene: CACNA1A (calcium voltage-gated channel subunit alpha1 A; minus strand). Cytogenetic location: 19p13.13.
Variant type: single nucleotide variant.
Coding change: c.5626-56G>A on transcript NM_001127222.2 (MANE Select); 56 bases into the intron before coding-DNA position 5626, G replaced by A.
Molecular consequence: intron variant.
Genome position (GRCh38, 1-based): chr19:13,224,828, C>T on the plus strand (G>A on the coding strand, the complement: CACNA1A is on the minus strand). VCF-style: chr19-13224828-C-T. GRCh37 (hg19) VCF-style: chr19-13335642-C-T.
Other names: c.5629-56G>A (NM_001127221.2); c.5635-56G>A (NM_001174080.2); c.5644-56G>A (NM_000068.4, NM_023035.3).
Identifiers: ClinVar variation 678191 (VCV000678191.2), dbSNP rs149917710, ClinGen allele CA305559089.

ClinVar aggregate classification (germline): Likely benign. Review status: criteria provided, multiple submitters, no conflicts (2 of 4 stars). 2 submissions from 2 submitters: Likely benign (2). Last evaluated 2018-06-14.

Allele frequency attached by ClinVar (database versions not stated): 1000 Genomes Project 0.00719; 1000 Genomes Project 30x 0.00750; TOPMed 0.00817; gnomAD 0.00843.

Submissions (2):

GeneDx
Classification: Likely benign. Last evaluated: 2018-06-14. Review status: criteria provided, single submitter. Criteria: GeneDx Variant Classification (06012015). Collection method: clinical testing. Allele origin: germline. Affected: yes.
Comment: This variant is considered likely benign or benign based on one or more of the following criteria: it is a conservative change, it occurs at a poorly conserved position in the protein, it is predicted to be benign by multiple in silico algorithms, and/or has population frequency not consistent with disease.

Breakthrough Genomics
Classification: Likely benign. Review status: criteria provided, single submitter. Criteria: ACMG Guidelines, 2015. Collection method: not provided. Allele origin: germline. Inheritance: Autosomal dominant inheritance. Affected: yes.